The following is an entry in ClinVar:

NM_000717.5(CA4):c.75C>T (p.Tyr25=)

Gene: CA4 (carbonic anhydrase 4; plus strand). Cytogenetic location: 17q23.1.
Variant type: single nucleotide variant.
Coding change: c.75C>T on transcript NM_000717.5 (MANE Select); coding-DNA position 75, C replaced by T.
Protein change: p.Tyr25=; no amino-acid change (tyrosine 25 retained).
Molecular consequence: synonymous variant. On other transcripts: non-coding transcript variant (1).
Genome position (GRCh38, 1-based): chr17:60,155,330, C>T. VCF-style: chr17-60155330-C-T. GRCh37 (hg19) VCF-style: chr17-58232691-C-T.
Other names: c.75C>T (NM_000717.4).
Identifiers: ClinVar variation 1669094 (VCV001669094.10), dbSNP rs576701016, ClinGen allele CA8685209.
Genomic context (GRCh38, chr17:60,155,330, plus strand): 5'-AAGACACACGCACGCACACTTCACACCCTTCCTCTCTGCTCCAGAGTCACACTGGTGCTA[C>T]GAGGTTCAAGCCGAGTCCTCCAACTACCCCTGCTTGGGTGAGTACAGCCAGTCCAGGGGA-3'
Protein context (NP_000708.1, residues 15-35): PSASAESHWC[Tyr25=]EVQAESSNYP

ClinVar aggregate classification (germline): Likely benign. Review status: criteria provided, single submitter (1 of 4 stars). 2 submissions from 2 submitters: Likely benign (1). 1 of the submissions does not count toward it. Last evaluated 2022-08-26.

Conditions:
CA4-related disorder. Also called: CA4-related condition.

Allele frequency attached by ClinVar (database versions not stated): gnomAD 0.00001; gnomAD exomes 0.00001 and 0.00003; TOPMed 0.00003; ExAC 0.00004; 1000 Genomes Project 30x 0.00016; 1000 Genomes Project 0.00020.
gnomAD v4.1: 13 of 1,611,460 alleles (0.00081%); highest among the groups gnomAD compares: Middle Eastern, 0.016%; no homozygotes.

Submissions (2):

Labcorp Genetics (formerly Invitae), Labcorp
Classification: Likely benign. Last evaluated: 2022-08-26. Review status: criteria provided, single submitter. Criteria: Invitae Variant Classification Sherloc (09022015). Collection method: clinical testing. Allele origin: germline.

PreventionGenetics, part of Exact Sciences
Classification: Likely benign for CA4-related condition. Last evaluated: 2021-05-21. Review status: no assertion criteria provided. Collection method: clinical testing. Allele origin: germline. Not counted in ClinVar's aggregate classification.
Comment: This variant is classified as likely benign based on ACMG/AMP sequence variant interpretation guidelines (Richards et al. 2015 PMID: 25741868, with internal and published modifications).